The following is an entry in ClinVar:

ClinVar aggregate classification (germline): Uncertain significance (1 of 4 stars; one submission).

Conditions:
Pelizaeus-Merzbacher disease. Also called: LEUKODYSTROPHY, HYPOMYELINATING, 1; Sudanophilic leukodystrophy; Pelizaeus-Merzbacher spectrum disorder; Pelizaeus-Merzbacher Disease (PMD); Pelizeaus-Merzbacher spectrum disorder. Identifiers: Orphanet 702, MedGen C0205711, MONDO:0010714, OMIM 312080, HP:0003269.

Submission:

Molecular Diagnostics Lab, Nemours Children's Health, Delaware
Classification: Uncertain significance for Pelizaeus-Merzbacher disease. Last evaluated: 2021-02-25. Review status: criteria provided, single submitter. Criteria: ACMG Guidelines, 2015. Collection method: clinical testing. Allele origin: unknown. Inheritance: X-linked inheritance. Affected: yes. Observed: 1 hemizygote.
Comment: This intronic variant (c.191+4A>G) has not been observed in population databases (gnomAD). It has not been described in the literature. There is insufficient evidence available to provide a classification other than uncertain significance for this variant.

NM_000533.5(PLP1):c.191+4A>G

Genes: PLP1 (proteolipid protein 1; plus strand), RAB9B (RAB9B, member RAS oncogene family; minus strand). Cytogenetic location: Xq22.2.
Variant type: single nucleotide variant.
Coding change: c.191+4A>G on transcript NM_000533.5 (MANE Select); 4 bases into the intron after coding-DNA position 191, A replaced by G.
Molecular consequence: intron variant.
Genome position (GRCh38, 1-based): chrX:103,785,772, A>G. VCF-style: chrX-103785772-A-G. GRCh37 (hg19) VCF-style: chrX-103040701-A-G.
Other names: c.191+4A>G (NM_001128834.3, NM_199478.3); c.26+4A>G (NM_001305004.1).
Identifiers: ClinVar variation 3255405 (VCV003255405.2), dbSNP rs2522302033.